The following is an entry in ClinVar:

ClinVar aggregate classification (germline): Conflicting classifications of pathogenicity. Review status: criteria provided, conflicting classifications (1 of 4 stars). 3 submissions from 3 submitters: Uncertain significance (1); Likely benign (2). Last evaluated 2024-04-15.

Conditions:
Xanthinuria type II. Also called: Xanthine dehydrogenase and aldehyde oxidase combined deficiency of; XDH and AOX dual deficiency. Identifiers: Orphanet 3467, Orphanet 93602, MedGen C1863688, MONDO:0011346, OMIM 603592.

Allele frequency attached by ClinVar (database versions not stated): gnomAD 0.00019 and 0.00020; TOPMed 0.00019; gnomAD exomes 0.00021 and 0.00025; ESP Exome Variant Server 0.00023; ExAC 0.00028.
gnomAD v4.1: 391 of 1,613,580 alleles (0.024%); highest among the groups gnomAD compares: Admixed American, 0.043%; 1 homozygote.

Submissions (3):

Fulgent Genetics
Classification: Likely benign for Xanthinuria type II. Last evaluated: 2024-04-15. Review status: criteria provided, single submitter. Criteria: ACMG Guidelines, 2015. Collection method: clinical testing. Allele origin: germline.

Labcorp Genetics (formerly Invitae), Labcorp
Classification: Uncertain significance for Xanthinuria type II. Last evaluated: 2022-07-29. Review status: criteria provided, single submitter. Criteria: Invitae Variant Classification Sherloc (09022015). Collection method: clinical testing. Allele origin: germline.
Comment: This sequence change replaces arginine, which is basic and polar, with glutamine, which is neutral and polar, at codon 373 of the MOCOS protein (p.Arg373Gln). This variant is present in population databases (rs144081367, gnomAD 0.05%). This variant has not been reported in the literature in individuals affected with MOCOS-related conditions. ClinVar contains an entry for this variant (Variation ID: 1408874). Algorithms developed to predict the effect of missense changes on protein structure and function output the following: SIFT: "Tolerated"; PolyPhen-2: "Benign"; Align-GVGD: "Class C0". The glutamine amino acid residue is found in multiple mammalian species, which suggests that this missense change does not adversely affect protein function. Algorithms developed to predict the effect of sequence changes on RNA splicing suggest that this variant may create or strengthen a splice site. In summary, the available evidence is currently insufficient to determine the role of this variant in disease. Therefore, it has been classified as a Variant of Uncertain Significance.

Ambry Genetics
Classification: Likely benign. Last evaluated: 2022-07-27. Review status: criteria provided, single submitter. Criteria: Ambry Variant Classification Scheme 2023. Collection method: clinical testing. Allele origin: germline.

NM_017947.4(MOCOS):c.1118G>A (p.Arg373Gln)

Gene: MOCOS (molybdenum cofactor sulfurase; plus strand). Cytogenetic location: 18q12.2.
Variant type: single nucleotide variant.
Coding change: c.1118G>A on transcript NM_017947.4 (MANE Select); coding-DNA position 1118, G replaced by A.
Protein change: p.Arg373Gln; replaces arginine 373 with glutamine.
Molecular consequence: missense variant.
Genome position (GRCh38, 1-based): chr18:36,205,176, G>A. VCF-style: chr18-36205176-G-A. GRCh37 (hg19) VCF-style: chr18-33785139-G-A.
Other names: c.1118G>A (NM_017947.2); short protein forms R373Q.
Identifiers: ClinVar variation 1408874 (VCV001408874.8), dbSNP rs144081367, ClinGen allele CA8940627.